The following is an entry in ClinVar:

ClinVar aggregate classification (germline): Uncertain significance (1 of 4 stars; one submission).

Submission:

Labcorp Genetics (formerly Invitae), Labcorp
Classification: Uncertain significance. Last evaluated: 2024-12-23. Review status: criteria provided, single submitter. Criteria: Invitae Variant Classification Sherloc (09022015). Collection method: clinical testing. Allele origin: germline.
Comment: This variant, c.257_258insCGGTGGTGGTGG, results in the insertion of 4 amino acid(s) of the ARIH1 protein (p.Gly87_Gly90dup), but otherwise preserves the integrity of the reading frame. This variant is not present in population databases (gnomAD no frequency). This variant has not been reported in the literature in individuals affected with ARIH1-related conditions. In summary, the available evidence is currently insufficient to determine the role of this variant in disease. Therefore, it has been classified as a Variant of Uncertain Significance.

NM_005744.5(ARIH1):c.257_258insCGGTGGTGGTGG (p.Gly90_Pro91insGlyGlyGlyGly)

Gene: ARIH1 (ariadne RBR E3 ubiquitin protein ligase 1; plus strand). Cytogenetic location: 15q24.1.
Variant type: Insertion.
Coding change: c.257_258insCGGTGGTGGTGG on transcript NM_005744.5 (MANE Select); coding-DNA positions 257 to 258, CGGTGGTGGTGG inserted.
Protein change: p.Gly90_Pro91insGlyGlyGlyGly.
Molecular consequence: inframe insertion.
Genome position: GRCh38 VCF-style: chr15-72474894-C-CGGCGGTGGTGGT. GRCh37 (hg19) VCF-style: chr15-72767235-C-CGGCGGTGGTGGT.
Identifiers: ClinVar variation 3615986 (VCV003615986.2).